The following is an entry in ClinVar:

NM_001401501.2(MUC16):c.32624T>C (p.Val10875Ala)

Gene: MUC16 (mucin 16, cell surface associated; minus strand). Cytogenetic location: 19p13.2.
Variant type: single nucleotide variant.
Coding change: c.32624T>C on transcript NM_001401501.2 (MANE Select); coding-DNA position 32624, T replaced by C.
Protein change: p.Val10875Ala; replaces valine 10875 with alanine.
Molecular consequence: missense variant.
Genome position (GRCh38, 1-based): chr19:8,938,451, A>G on the plus strand (T>C on the coding strand, the complement: MUC16 is on the minus strand). VCF-style: chr19-8938451-A-G. GRCh37 (hg19) VCF-style: chr19-9049127-A-G.
Other names: c.32504T>C, p.Val10835Ala (NM_024690.2, NM_001414687.1); c.33050T>C, p.Val11017Ala (NM_001414686.1); short protein forms V10835A, V10875A, V11017A.
Identifiers: ClinVar variation 2649234 (VCV002649234.24), dbSNP rs772030457, ClinGen allele CA9166629.

ClinVar aggregate classification (germline): Likely benign (1 of 4 stars; one submission).

Allele frequency attached by ClinVar (database versions not stated): gnomAD 0.00003; ExAC 0.00004; TOPMed 0.00004.

Submission:

CeGaT Center for Human Genetics Tuebingen
Classification: Likely benign. Last evaluated: 2023-01-01. Review status: criteria provided, single submitter. Criteria: CeGaT Center For Human Genetics Tuebingen Variant Classification Criteria Version 2. Collection method: clinical testing. Allele origin: germline. Affected: yes. Observed: 1 variant allele.
Comment: MUC16: BP4